The following is an entry in ClinVar:

ClinVar aggregate classification (germline): Uncertain significance (1 of 4 stars; one submission).

Conditions:
Cardiovascular phenotype. Identifiers: MedGen CN230736.
Hereditary cancer-predisposing syndrome. Also called: Neoplastic Syndromes, Hereditary; Tumor predisposition; Hereditary Cancer Syndrome; Hereditary neoplastic syndrome. Identifiers: Orphanet 140162, MedGen C0027672, MeSH D009386, MONDO:0015356.

Submission:

Ambry Genetics
Classification: Uncertain significance for Cardiovascular phenotype; Hereditary cancer-predisposing syndrome. Last evaluated: 2021-04-14. Review status: criteria provided, single submitter. Criteria: Ambry Variant Classification Scheme 2023. Collection method: clinical testing. Allele origin: germline.
Comment: The p.I570M variant (also known as c.1710C>G), located in coding exon 15 of the LZTR1 gene, results from a C to G substitution at nucleotide position 1710. The isoleucine at codon 570 is replaced by methionine, an amino acid with highly similar properties. This amino acid position is highly conserved in available vertebrate species. In addition, this alteration is predicted to be tolerated by in silico analysis. Since supporting evidence is limited at this time, the clinical significance of this alteration remains unclear.

NM_006767.4(LZTR1):c.1710C>G (p.Ile570Met)

Gene: LZTR1 (leucine zipper like post translational regulator 1; plus strand). Cytogenetic location: 22q11.21.
Variant type: single nucleotide variant.
Coding change: c.1710C>G on transcript NM_006767.4 (MANE Select); coding-DNA position 1710, C replaced by G.
Protein change: p.Ile570Met; replaces isoleucine 570 with methionine.
Molecular consequence: missense variant.
Genome position (GRCh38, 1-based): chr22:20,994,652, C>G. VCF-style: chr22-20994652-C-G. GRCh37 (hg19) VCF-style: chr22-21348941-C-G.
Other names: short protein forms I570M.
Identifiers: ClinVar variation 1778551 (VCV001778551.2), dbSNP rs779730131, ClinGen allele CA410777970.